The following is an entry in ClinVar:

ClinVar aggregate classification (germline): Benign/Likely benign. Review status: criteria provided, multiple submitters, no conflicts (2 of 4 stars). 6 submissions from 6 submitters: Benign (5); Likely benign (1). Last evaluated 2026-01-26.

Conditions:
Autoimmune lymphoproliferative syndrome type 2B. Also called: AUTOIMMUNE LYMPHOPROLIFERATIVE SYNDROME, TYPE IIB. Identifiers: Orphanet 275517, MedGen C1846545, MONDO:0011804, OMIM 607271.

Allele frequency attached by ClinVar (database versions not stated): TOPMed 0.63720; gnomAD 0.64748 and 0.64497; gnomAD exomes 0.66002 and 0.69644; ESP Exome Variant Server 0.66947; 1000 Genomes Project 0.64637; ExAC 0.66730; 1000 Genomes Project 30x 0.64241.
gnomAD v4.1: 1,114,549 of 1,612,910 alleles (69%); highest among the groups gnomAD compares: Non-Finnish European, 71%; 387,465 homozygotes.

Submissions (6):

Labcorp Genetics (formerly Invitae), Labcorp
Classification: Benign for Autoimmune lymphoproliferative syndrome type 2B. Last evaluated: 2026-01-26. Review status: criteria provided, single submitter. Criteria: Invitae Variant Classification Sherloc (09022015). Collection method: clinical testing. Allele origin: germline.

Blueprint Genetics
Classification: Likely benign. Last evaluated: 2024-11-26. Review status: criteria provided, single submitter. Criteria: ACMG Guidelines, 2015. Collection method: clinical testing. Allele origin: germline.

Unidad de Genómica Garrahan, Hospital de Pediatría Garrahan
Classification: Benign. Last evaluated: 2023-11-12. Review status: criteria provided, single submitter. Criteria: ACMG Guidelines, 2015. Collection method: clinical testing. Allele origin: germline. Affected: no. Observed: 77 variant alleles.
Comment: This variant is classified as Benign based on local population frequency. This variant was detected in 80% of patients studied by a panel of primary immunodeficiencies. Number of patients: 77. Only high quality variants are reported.

GeneDx
Classification: Benign. Last evaluated: 2018-08-25. Review status: criteria provided, single submitter. Criteria: GeneDx Variant Classification Process June 2021. Collection method: clinical testing. Allele origin: germline. Affected: yes.
Comment: This variant is associated with the following publications: (PMID: 29083408)

Laboratory for Molecular Medicine, Mass General Brigham Personalized Medicine
Classification: Benign. Last evaluated: 2016-03-28. Review status: criteria provided, single submitter. Criteria: LMM Criteria. Collection method: clinical testing. Allele origin: germline.
Comment: Variant identified in a genome or exome case(s) and assessed due to predicted null impact of the variant or pathogenic assertions in the literature or databases. Disclaimer: This variant has not undergone full assessment. The following are preliminary notes: Frequency

Breakthrough Genomics
Classification: Benign. Review status: criteria provided, single submitter. Criteria: ACMG Guidelines, 2015. Collection method: not provided. Allele origin: germline. Inheritance: Autosomal recessive inheritance. Affected: yes.

NM_001228.5(CASP8):c.-26-8189A>G

Genes: CASP8 (caspase 8; plus strand), LOC128772255 (melanoma risk locus-associated MPRA allelic enhancer 2:202122995; plus strand). Cytogenetic location: 2q33.1.
Variant type: single nucleotide variant.
Coding change: c.-26-8189A>G on transcript NM_001228.5; 8189 bases into the intron before 26 bases upstream of the start codon, A replaced by G.
Molecular consequence: intron variant. On other transcripts: missense variant (3), 5 prime UTR variant (4), non-coding transcript variant (4).
Genome position (GRCh38, 1-based): chr2:201,258,272, A>G. VCF-style: chr2-201258272-A-G. GRCh37 (hg19) VCF-style: chr2-202122995-A-G.
Other names: c.41A>G, p.Lys14Arg (NM_001080125.2, NM_001400642.1, NM_001400665.1); c.-111A>G (NM_001400655.1, NM_001400662.1); c.-643A>G (NM_001400750.1, NM_001400751.1); c.-26-8189A>G (NM_001400651.1, NM_001400663.1, NM_001400648.1 and 2 more transcripts); c.1-8215A>G (NM_001400657.1, NM_001400660.1, NM_033355.4 and 1 more transcripts); c.-532-8215A>G (NM_001400677.1); c.-4-13244A>G (NM_001400669.1); c.-637-8189A>G (NM_001400680.1); and 3 more; short protein forms K14R.
Identifiers: ClinVar variation 402492 (VCV000402492.17), dbSNP rs3769823, ClinGen allele CA2053387.